The following is an entry in ClinVar:

NC_000014.8:g.(?_97277006)_(97347545_?)del

Gene: VRK1 (VRK serine/threonine kinase 1; plus strand). Cytogenetic location: 14q32.2.
Variant type: Deletion.
Identifiers: ClinVar variation 3243973 (VCV003243973.1).

ClinVar aggregate classification (germline): Pathogenic (1 of 4 stars; one submission).

Conditions:
Pontocerebellar hypoplasia type 1A (PCH1A). Also called: PONTOCEREBELLAR HYPOPLASIA WITH ANTERIOR HORN CELL DISEASE; PONTOCEREBELLAR HYPOPLASIA WITH INFANTILE SPINAL MUSCULAR ATROPHY. Identifiers: Orphanet 2254, Orphanet 88616, MedGen C1843504, MONDO:0011866, OMIM 607596.

Submission:

Labcorp Genetics (formerly Invitae), Labcorp
Classification: Pathogenic for Pontocerebellar hypoplasia type 1A. Last evaluated: 2023-12-14. Review status: criteria provided, single submitter. Criteria: Invitae Variant Classification Sherloc (09022015). Collection method: clinical testing. Allele origin: unknown.
Comment: A gross deletion of the genomic region encompassing the full coding sequence of the VRK1 gene has been identified. Loss-of-function variants in VRK1 are known to be pathogenic (PMID: 19646678, 24126608, 27281532). The boundaries of this event are unknown as they extend beyond the assayed region for this gene and therefore may encompass additional genes. This variant has not been reported in the literature in individuals affected with VRK1-related conditions. For these reasons, this variant has been classified as Pathogenic.

Literature cited by the submitters: PubMed 19646678; PubMed 24126608; PubMed 27281532.